The following is an entry in ClinVar:

ClinVar aggregate classification (germline): Likely pathogenic. Review status: criteria provided, multiple submitters, no conflicts (2 of 4 stars). 2 submissions from 2 submitters: Likely pathogenic (2). Last evaluated 2023-12-06.

Conditions:
Cardiovascular phenotype. Identifiers: MedGen CN230736.
Dilated cardiomyopathy 1G (CMD1G). Identifiers: Orphanet 154, MedGen C1858763, MONDO:0011400, OMIM 604145.
Autosomal recessive limb-girdle muscular dystrophy type 2J (LGMDR10). Also called: Limb-girdle muscular dystrophy, type 2J; MUSCULAR DYSTROPHY, LIMB-GIRDLE, AUTOSOMAL RECESSIVE 10. Identifiers: Orphanet 140922, MedGen C1837342, MONDO:0012127, OMIM 608807.

Submissions (2):

Labcorp Genetics (formerly Invitae), Labcorp
Classification: Likely pathogenic for Dilated cardiomyopathy 1G; Autosomal recessive limb-girdle muscular dystrophy type 2J. Last evaluated: 2023-12-06. Review status: criteria provided, single submitter. Criteria: Invitae Variant Classification Sherloc (09022015). Collection method: clinical testing. Allele origin: germline.
Comment: This sequence change creates a premature translational stop signal (p.Tyr34195*) in the TTN gene. While this is not anticipated to result in nonsense mediated decay, it is expected to create a truncated TTN protein. This variant is not present in population databases (gnomAD no frequency). This variant has not been reported in the literature in individuals affected with TTN-related conditions. ClinVar contains an entry for this variant (Variation ID: 1465094). This variant is located in the M band of TTN (PMID: 25589632). Truncating variants in this region have been previously reported in individuals affected with autosomal recessive myopathy and muscular dystrophy (PMID: 18948003, 23975875, 24395473). Truncating variants in this region have also been identified in individuals affected with autosomal dominant dilated cardiomyopathy and/or cardio-related conditions (PMID: 27869827, 32964742). In summary, the currently available evidence indicates that the variant is pathogenic, but additional data are needed to prove that conclusively. Therefore, this variant has been classified as Likely Pathogenic.

Ambry Genetics
Classification: Likely pathogenic for Cardiovascular phenotype. Last evaluated: 2023-01-23. Review status: criteria provided, single submitter. Criteria: Ambry Variant Classification Scheme 2023. Collection method: clinical testing. Allele origin: germline.
Comment: The p.Y25130* variant (also known as c.75390T>A), located in coding exon 185 of the TTN gene, results from a T to A substitution at nucleotide position 75390. This exon is located in the M-band region of the N2-B isoform of the titin protein and is constitutively expressed in TTN transcripts (percent spliced in or PSI 100%). This variant is considered to be rare based on population cohorts in the Genome Aggregation Database (gnomAD). This alteration is expected to result in loss of function by premature protein truncation or nonsense-mediated mRNA decay. While truncating variants in TTN are present in 1-3% of the general population, truncating variants in the M-band have been reported in association with autosomal recessive titinopathies, primarily presenting with skeletal myopathy phenotypes (Ceyhan-Birsoy O et al. Neurology. 2013 Oct 1;81(14):1205-14; De Cid R et al. Neurology. 2015;85(24):2126-35). In addition, regardless of their position, TTN truncating variants encoded in constitutive exons (PSI >90%) have been found to be significantly associated with dilated cardiomyopathy (DCM), though truncating variants in the A-band are the most common cause of DCM (Herman DS et al. N. Engl. J. Med., 2012 Feb;366:619-28; Roberts AM et al. Sci Transl Med, 2015 Jan;7:270ra6; Schafer S et al. Nat. Genet., 2017 01;49:46-53). Based on the majority of available evidence to date, this variant is likely to be pathogenic in association with autosomal recessive titinopathy; however, the clinical significance of this alteration with respect to cardiomyopathy remains unclear.

Literature cited by the submitters: PubMed 25589632 (cited by Labcorp Genetics (formerly Invitae), Labcorp); PubMed 18948003 (cited by Labcorp Genetics (formerly Invitae), Labcorp); PubMed 23975875 (cited by Labcorp Genetics (formerly Invitae), Labcorp); PubMed 24395473 (cited by Labcorp Genetics (formerly Invitae), Labcorp); PubMed 27869827 (cited by Labcorp Genetics (formerly Invitae), Labcorp); PubMed 32964742 (cited by Labcorp Genetics (formerly Invitae), Labcorp).

NM_001267550.2(TTN):c.102585T>A (p.Tyr34195Ter)

Genes: TTN-AS1 (TTN antisense RNA 1; plus strand), TTN (titin; minus strand). Cytogenetic location: 2q31.2.
Variant type: single nucleotide variant.
Coding change: c.102585T>A on transcript NM_001267550.2 (MANE Select); coding-DNA position 102585, T replaced by A.
Protein change: p.Tyr34195Ter; replaces tyrosine 34195 with a stop codon.
Molecular consequence: nonsense.
Genome position (GRCh38, 1-based): chr2:178,534,030, A>T on the plus strand (T>A on the coding strand, the complement: TTN is on the minus strand). VCF-style: chr2-178534030-A-T. GRCh37 (hg19) VCF-style: chr2-179398757-A-T.
Other names: c.97662T>A, p.Tyr32554Ter (NM_001256850.1); c.75390T>A, p.Tyr25130Ter (NM_003319.4); c.94881T>A, p.Tyr31627Ter (NM_133378.4); c.75765T>A, p.Tyr25255Ter (NM_133432.3); c.75966T>A, p.Tyr25322Ter (NM_133437.4); short protein forms Y34195*, Y25255*, Y25322*, Y31627*, Y25130*, Y32554*.
Identifiers: ClinVar variation 1465094 (VCV001465094.9), dbSNP rs1690344942, ClinGen allele CA349417209.
Genomic context (GRCh38, chr2:178,534,030, plus strand): 5'-ATAGTCATTGACTACTTTGCATCTGTAGGTACCATCATCTAATTTGGTAATGTCTTTGAC[A>T]TAGAGGATGGCCACTCCATCTTCGTAGGTGATTTCGTATTTCTCACTGTTCTCCAGCTGT-3'